The following is an entry in ClinVar:

ClinVar aggregate classification (germline): Pathogenic. Review status: reviewed by expert panel (3 of 4 stars). 15 submissions from 15 submitters: Pathogenic (1). 14 of the submissions do not count toward it. Last evaluated 2021-09-28.

Conditions:
GAA-related disorder. Also called: GAA-related condition.
Glycogen storage disease, type II (IOPD). Also called: CARDIOMEGALIA GLYCOGENICA DIFFUSA; GLYCOGENOSIS, GENERALIZED, CARDIAC FORM; GSD II; Pompe Disease; Glycogen storage disease type 2; Acid maltase deficiency disease. Identifiers: Orphanet 365, MedGen C0017921, MONDO:0009290, OMIM 232300.

Submissions 1 to 10 of 15:

ClinGen Lysosomal Storage Disorder Variant Curation Expert Panel
Classification: Pathogenic for Glycogen storage disease, type II. Last evaluated: 2021-09-28. Review status: reviewed by expert panel. Criteria: clingen_lsd_acmg_specifications_v2-1. Collection method: curation. Allele origin: germline. Inheritance: Autosomal recessive inheritance.
Comment: The NM_000152.5:c.258dup (p.Asn87GlnfsTer9) variant in GAA is a frameshift variant predicted to cause a premature stop codon in biologically-relevant-exon 2/20, leading to nonsense mediated decay in a gene in which loss-of-function is an established disease mechanism (PVS1). At least 10 patients with this variant and reported to have Pompe disease have been reported. This includes two patients with documented laboratory values showing GAA deficiency meeting the ClinGen LSD VCEP’s specifications for PP4_Moderate; one of them on enzyme replacement therapy (PMID 21484825, 31467850), a further 7, at least, patients on enzyme replacement therapy, without documented values for GAA activity, meeting specifications for PP4 (PMID 26873529, 31086307, 31392188, 31676142, 32248831), and additional patients with insufficient details to meet the requirements for PP4 (PMID 10206684, 16917947, 29961517, 30564623). At least 7 patients are compound heterozygous for the variant and a pathogenic variant, c.-32-13T>G, in GAA (PM3). Another two patients are compound heterozygous for the variant and either c.1195-8G>A (PMID 21484825) or c.1115A>T (p.His372Leu) (PMID 31467850). The in trans data from both of these patients will be used in the assessment of the other variant and is, therefore, not included here in order to avoid circular logic. The variant is absent in gnomAD v2.1.1 (PM2_Supporting). There is a ClinVar entry for this variant (Variation ID: 282842, 2 star review status) with five submitters classifying the variant as pathogenic. In summary, this variant meets the criteria to be classified as pathogenic for Pompe disease. GAA-specific GAA criteria met, as specified by the ClinGen LSD VCEP (Specification Version 2.0): PVS1, PM3, PP4_Moderate, PM2_Supporting.

Genomenon, Inc
Classification: Pathogenic for Glycogen storage disease, type II. Last evaluated: 2026-07-01. Review status: criteria provided, single submitter. Criteria: Genomenon Sequence Variant Interpretation Standards - Updated. Collection method: curation. Allele origin: germline. Affected: yes. Not counted in ClinVar's aggregate classification.
Comment: GAA p.Asn87GlnfsTer9 (c.258dup) is a frameshift variant that is predicted to introduce a premature termination codon and result in a truncated or absent protein product. This variant has been observed in at least one proband with a GAA-related disorder (PMID:31086307;29961517;31676142;28814660). It is absent or not present at a significant frequency in gnomAD. In conclusion, we classify GAA p.Asn87GlnfsTer9 (c.258dup) as a pathogenic variant.

Mayo Clinic Laboratories, Mayo Clinic
Classification: Pathogenic. Last evaluated: 2025-09-19. Review status: criteria provided, single submitter. Criteria: ACMG Guidelines, 2015. Collection method: clinical testing. Allele origin: germline. Observed: 2 variant alleles. Not counted in ClinVar's aggregate classification.
Comment: PP4_moderate, PM2_supporting, PM3, PVS1

Revvity Omics, Revvity
Classification: Pathogenic. Last evaluated: 2025-07-21. Review status: criteria provided, single submitter. Criteria: ACMG Guidelines, 2015. Collection method: clinical testing. Allele origin: germline. Not counted in ClinVar's aggregate classification.

PreventionGenetics, part of Exact Sciences
Classification: Pathogenic for GAA-related condition. Last evaluated: 2025-06-16. Review status: criteria provided, single submitter. Criteria: ACMG Guidelines, 2015. Collection method: clinical testing. Allele origin: germline. Not counted in ClinVar's aggregate classification.
Comment: The GAA c.258dupC variant is predicted to result in a frameshift and premature protein termination (p.Asn87Glnfs*9). This variant has been repeatedly reported in individuals with Pompe disease (see for example: Beesley et al. 1997. PubMed ID: 10206684; Nallamilli et al. 2018. PubMed ID: 30564623; Kishnani et al. 2019. PubMed ID: 31086307; Lee et al. 2019. PubMed ID: 31467850; Bali et al. 2011. PubMed ID: 21484825). Measured GAA activity for patients harboring this variant was demonstrated to be significantly decreased compared to normal (Bali et al. 2011. PubMed ID: 21484825; Lee et al. 2019. PubMed ID: 31467850). This variant is reported in 0.0041% of alleles in individuals of African descent in gnomAD. Frameshift variants in GAA are expected to be pathogenic, and this variant has been interpreted as pathogenic by the ClinGen Lysosomal Storage Disorder Variant Curation Expert Panel. This variant is interpreted as pathogenic.

Labcorp Genetics (formerly Invitae), Labcorp
Classification: Pathogenic for Glycogen storage disease, type II. Last evaluated: 2025-06-03. Review status: criteria provided, single submitter. Criteria: Invitae Variant Classification Sherloc (09022015). Collection method: clinical testing. Allele origin: germline. Not counted in ClinVar's aggregate classification.
Comment: This sequence change creates a premature translational stop signal (p.Asn87Glnfs*9) in the GAA gene. It is expected to result in an absent or disrupted protein product. Loss-of-function variants in GAA are known to be pathogenic (PMID: 18425781, 22252923). The frequency data for this variant in the population databases is considered unreliable, as metrics indicate poor data quality at this position in the gnomAD database. This premature translational stop signal has been observed in individuals with glycogen storage disease II (PMID: 10206684, 16917947, 21484825). ClinVar contains an entry for this variant (Variation ID: 282842). For these reasons, this variant has been classified as Pathogenic.

GeneDx
Classification: Pathogenic. Last evaluated: 2024-12-31. Review status: criteria provided, single submitter. Criteria: GeneDx Variant Classification Process June 2021. Collection method: clinical testing. Allele origin: germline. Affected: yes. Not counted in ClinVar's aggregate classification.
Comment: Frameshift variant predicted to result in protein truncation or nonsense mediated decay in a gene for which loss of function is a known mechanism of disease; Not observed at significant frequency in large population cohorts (gnomAD); This variant is associated with the following publications: (PMID: 30564623, 31086307, 16917947, 31392188, 31676142, 34501319, 35787971, 31342611, 39561306, Ma2022[preprint], 34852371, 21484825, 10206684, 31467850, 33202836, 26873529, 31931849, 39731073)

Natera, Inc.
Classification: Pathogenic for Glycogen storage disease type II. Last evaluated: 2024-07-15. Review status: criteria provided, single submitter. Criteria: Natera Variant Classification Schema (03/2026). Collection method: clinical testing. Allele origin: germline. Not counted in ClinVar's aggregate classification.
Comment: The c.258dupC variant in GAA is a frameshift variant predicted to shift the reading frame beginning at codon 87 and leads to a stop codon 9 codons downstream. This variant is expected to result in nonsense mediated decay, truncation, or a dysfunctional protein product. This variant is rare in the general population with a frequency below the threshold expected for the associated phenotype(s). This variant has been observed in one or more individuals affected with the associated recessive disease, as either homozygous or compound heterozygous with a second variant (PMID: 31467850, 16917947, 31086307). Given the available evidence, this variant is classified as Pathogenic.

Genetic Services Laboratory, University of Chicago
Classification: Pathogenic. Last evaluated: 2024-01-31. Review status: criteria provided, single submitter. Criteria: ACMG Guidelines, 2015. Collection method: clinical testing. Allele origin: germline. Affected: yes. Not counted in ClinVar's aggregate classification.
Comment: DNA sequence analysis of the GAA gene demonstrated a single base pair duplication (c.258dup) in exon 2 that results in an amino acid frameshift and the creation of a premature termination codon 9 amino acids downstream of the deletion (p.Asn87Glnfs*9). This sequence change is predicted to result in an abnormal, truncated GAA transcript that is likely to result in nonsense-mediated decay and no protein production. Loss of function is a known disease mechanism for Pompe disease. This pathogenic sequence change has previously been identified in the compound heterozygous state with other pathogenic variants in several individuals with Pompe disease (PMID: 33202836, 10206684, 31086307, 31676142, 31467850, 34501319). This sequence change has been described in the gnomAD database with an overall population frequency of 0.001% (dbSNP rs761317813). Collectively, this evidence indicates that this sequence change is pathogenic.

Fulgent Genetics
Classification: Pathogenic for Glycogen storage disease, type II. Last evaluated: 2021-11-12. Review status: criteria provided, single submitter. Criteria: ACMG Guidelines, 2015. Collection method: clinical testing. Allele origin: unknown. Not counted in ClinVar's aggregate classification.

NM_000152.5(GAA):c.258dup (p.Asn87fs)

Gene: GAA (alpha glucosidase; plus strand). Cytogenetic location: 17q25.3.
Variant type: Duplication.
Coding change: c.258dup on transcript NM_000152.5 (MANE Select); coding-DNA position 258, one base duplicated (C; older notation c.258dupC).
Protein change: p.Asn87fs; shifts the reading frame from asparagine 87.
Molecular consequence: frameshift variant.
Genome position (GRCh38, 1-based): chr17:80,104,844, C duplicated; the last of 7 consecutive C bases (chr17:80,104,838-80,104,844); duplicating any one gives the same sequence. VCF-style (leftmost placement, unchanged base first): chr17-80104837-T-TC. GRCh37 (hg19) VCF-style: chr17-78078636-T-TC.
Other names: NM_000152.5(GAA):c.258dup; p.Asn87fs; p.Asn87Glnfs*9; c.258dup, p.Asn87fs (NM_001079803.3, NM_001079804.3); c.258dup (NM_000152.3); c.258dupC (NM_000152.5); short protein forms N87fs.
Identifiers: ClinVar variation 282842 (VCV000282842.37), dbSNP rs761317813, ClinGen allele CA8814826.